The following is an entry in ClinVar:

NM_004519.4(KCNQ3):c.2472G>C (p.Ser824=)

Gene: KCNQ3 (potassium voltage-gated channel subfamily Q member 3; minus strand). Cytogenetic location: 8q24.22.
Variant type: single nucleotide variant.
Coding change: c.2472G>C on transcript NM_004519.4 (MANE Select); coding-DNA position 2472, G replaced by C.
Protein change: p.Ser824=; no amino-acid change (serine 824 retained).
Molecular consequence: synonymous variant.
Genome position (GRCh38, 1-based): chr8:132,129,409, C>G on the plus strand (G>C on the coding strand, the complement: KCNQ3 is on the minus strand). VCF-style: chr8-132129409-C-G. GRCh37 (hg19) VCF-style: chr8-133141656-C-G.
Other names: c.2112G>C, p.Ser704= (NM_001204824.2).
Identifiers: ClinVar variation 1118990 (VCV001118990.32), dbSNP rs774287489, ClinGen allele CA4880435.

ClinVar aggregate classification (germline): Likely benign. Review status: criteria provided, multiple submitters, no conflicts (2 of 4 stars). 3 submissions from 3 submitters: Likely benign (3). Last evaluated 2026-08-01.

Conditions:
Benign neonatal seizures. Also called: Benign familial neonatal seizures; Benign neonatal familial convulsions; Convulsions benign familial neonatal dominant form; Autosomal dominant form of benign neonatal seizures; Benign familial neonatal epilepsy. Identifiers: Orphanet 1949, MedGen C0220669, MONDO:0016027.

Allele frequency attached by ClinVar (database versions not stated): gnomAD 0.00001.
gnomAD v4.1: 27 of 1,614,100 alleles (0.0017%); highest among the groups gnomAD compares: Middle Eastern, 0.016%; no homozygotes.

Submissions (3):

CeGaT Center for Human Genetics Tuebingen
Classification: Likely benign. Last evaluated: 2026-08-01. Review status: criteria provided, single submitter. Criteria: CeGaT Center For Human Genetics Tuebingen Variant Classification Criteria Version 2. Collection method: clinical testing. Allele origin: germline. Affected: yes. Observed: 5 variant alleles.
Comment: KCNQ3: BP4, BP7

Labcorp Genetics (formerly Invitae), Labcorp
Classification: Likely benign for Benign neonatal seizures. Last evaluated: 2025-12-22. Review status: criteria provided, single submitter. Criteria: Invitae Variant Classification Sherloc (09022015). Collection method: clinical testing. Allele origin: germline.

Blueprint Genetics
Classification: Likely benign. Last evaluated: 2024-11-13. Review status: criteria provided, single submitter. Criteria: ACMG Guidelines, 2015. Collection method: clinical testing. Allele origin: germline.